The following is an entry in ClinVar:

NM_000419.5(ITGA2B):c.2347G>A (p.Gly783Arg)

Gene: ITGA2B (integrin subunit alpha 2b; minus strand). Cytogenetic location: 17q21.31.
Variant type: single nucleotide variant.
Coding change: c.2347G>A on transcript NM_000419.5 (MANE Select); coding-DNA position 2347, G replaced by A.
Protein change: p.Gly783Arg; replaces glycine 783 with arginine.
Molecular consequence: missense variant.
Genome position (GRCh38, 1-based): chr17:44,376,309, C>T on the plus strand (G>A on the coding strand, the complement: ITGA2B is on the minus strand). VCF-style: chr17-44376309-C-T. GRCh37 (hg19) VCF-style: chr17-42453677-C-T.
Other names: short protein forms G783R.
Identifiers: ClinVar variation 2888740 (VCV002888740.3), dbSNP rs1014586407, ClinGen allele CA290947490.

ClinVar aggregate classification (germline): Uncertain significance (1 of 4 stars; one submission).

Conditions:
Glanzmann thrombasthenia. Also called: Glanzmann's thrombasthenia; BLEEDING DISORDER, PLATELET-TYPE, 2; THROMBASTHENIA OF GLANZMANN AND NAEGELI; Thrombasthenia; PLATELET GLYCOPROTEIN IIb-IIIa DEFICIENCY. Identifiers: Orphanet 849, MedGen C0040015, MONDO:0100326.

Allele frequency attached by ClinVar (database versions not stated): gnomAD exomes below 0.00001; gnomAD 0.00001; TOPMed 0.00001.

Submission:

Labcorp Genetics (formerly Invitae), Labcorp
Classification: Uncertain significance for Glanzmann thrombasthenia. Last evaluated: 2025-12-01. Review status: criteria provided, single submitter. Criteria: Invitae Variant Classification Sherloc (09022015). Collection method: clinical testing. Allele origin: germline.
Comment: This sequence change replaces glycine, which is neutral and non-polar, with arginine, which is basic and polar, at codon 783 of the ITGA2B protein (p.Gly783Arg). This variant is not present in population databases (gnomAD no frequency). This missense change has been observed in individual(s) with Glanzmann thrombasthenia (internal data). ClinVar contains an entry for this variant (Variation ID: 2888740). Invitae Evidence Modeling of protein sequence and biophysical properties (such as structural, functional, and spatial information, amino acid conservation, physicochemical variation, residue mobility, and thermodynamic stability) indicates that this missense variant is expected to disrupt ITGA2B protein function with a positive predictive value of 95%. In summary, the available evidence is currently insufficient to determine the role of this variant in disease. Therefore, it has been classified as a Variant of Uncertain Significance.